The following is an entry in ClinVar:

ClinVar aggregate classification (germline): Uncertain significance (1 of 4 stars; one submission).

Conditions:
Hypertrophic cardiomyopathy 19. Also called: Familial hypertrophic cardiomyopathy 19. Identifiers: MedGen CN077603, MONDO:0013476.

Submission:

Labcorp Genetics (formerly Invitae), Labcorp
Classification: Uncertain significance for Hypertrophic cardiomyopathy 19. Last evaluated: 2024-05-22. Review status: criteria provided, single submitter. Criteria: Invitae Variant Classification Sherloc (09022015). Collection method: clinical testing. Allele origin: germline.
Comment: This sequence change replaces arginine, which is basic and polar, with lysine, which is basic and polar, at codon 308 of the CALR3 protein (p.Arg308Lys). This variant is not present in population databases (gnomAD no frequency). This variant has not been reported in the literature in individuals affected with CALR3-related conditions. ClinVar contains an entry for this variant (Variation ID: 1386119). Advanced modeling of protein sequence and biophysical properties (such as structural, functional, and spatial information, amino acid conservation, physicochemical variation, residue mobility, and thermodynamic stability) performed at Invitae indicates that this missense variant is not expected to disrupt CALR3 protein function with a negative predictive value of 80%. In summary, the available evidence is currently insufficient to determine the role of this variant in disease. Therefore, it has been classified as a Variant of Uncertain Significance.

NM_145046.5(CALR3):c.923G>A (p.Arg308Lys)

Gene: CALR3 (calreticulin 3; minus strand). Cytogenetic location: 19p13.11.
Variant type: single nucleotide variant.
Coding change: c.923G>A on transcript NM_145046.5 (MANE Select); coding-DNA position 923, G replaced by A.
Protein change: p.Arg308Lys; replaces arginine 308 with lysine.
Molecular consequence: missense variant.
Genome position (GRCh38, 1-based): chr19:16,480,702, C>T on the plus strand (G>A on the coding strand, the complement: CALR3 is on the minus strand). VCF-style: chr19-16480702-C-T. GRCh37 (hg19) VCF-style: chr19-16591513-C-T.
Other names: short protein forms R308K.
Identifiers: ClinVar variation 1386119 (VCV001386119.6), dbSNP rs369518093, ClinGen allele CA404606957.